The following is an entry in ClinVar:

ClinVar aggregate classification (germline): Uncertain significance. Review status: criteria provided, multiple submitters, no conflicts (2 of 4 stars). 2 submissions from 2 submitters: Uncertain significance (2). Last evaluated 2026-09-11.

Conditions:
Long QT syndrome (LQTS). Identifiers: MedGen C0023976, MeSH D008133, MONDO:0002442. Disease mechanism: loss of function. Inheritance: Various modes of inheritance.
Cardiovascular phenotype. Identifiers: MedGen CN230736.

Allele frequency attached by ClinVar (database versions not stated): TOPMed 0.00001.

Submissions (2):

Ambry Genetics
Classification: Uncertain significance for Cardiovascular phenotype. Last evaluated: 2026-09-11. Review status: criteria provided, single submitter. Criteria: Ambry Variant Classification Scheme 2023. Collection method: clinical testing. Allele origin: germline.

Labcorp Genetics (formerly Invitae), Labcorp
Classification: Uncertain significance for Long QT syndrome. Last evaluated: 2025-08-11. Review status: criteria provided, single submitter. Criteria: Invitae Variant Classification Sherloc (09022015). Collection method: clinical testing. Allele origin: germline.
Comment: This sequence change replaces glycine, which is neutral and non-polar, with valine, which is neutral and non-polar, at codon 626 of the KCNQ1 protein (p.Gly626Val). This variant is not present in population databases (gnomAD no frequency). This missense change has been observed in individual(s) with clinical features of long QT syndrome (internal data). ClinVar contains an entry for this variant (Variation ID: 2973634). Invitae Evidence Modeling of protein sequence and biophysical properties (such as structural, functional, and spatial information, amino acid conservation, physicochemical variation, residue mobility, and thermodynamic stability) has been performed for this missense variant. However, the output from this modeling did not meet the statistical confidence thresholds required to predict the impact of this variant on KCNQ1 protein function. In summary, the available evidence is currently insufficient to determine the role of this variant in disease. Therefore, it has been classified as a Variant of Uncertain Significance.

NM_000218.3(KCNQ1):c.1877G>T (p.Gly626Val)

Genes: KCNQ1 (potassium voltage-gated channel subfamily Q member 1; plus strand), KCNQ1-AS1 (KCNQ1 antisense RNA 1; minus strand). Cytogenetic location: 11p15.4.
Variant type: single nucleotide variant.
Coding change: c.1877G>T on transcript NM_000218.3 (MANE Select); coding-DNA position 1877, G replaced by T.
Protein change: p.Gly626Val; replaces glycine 626 with valine.
Molecular consequence: missense variant.
Genome position (GRCh38, 1-based): chr11:2,847,849, G>T. VCF-style: chr11-2847849-G-T. GRCh37 (hg19) VCF-style: chr11-2869079-G-T.
Other names: c.1781G>T, p.Gly594Val (NM_001406836.1); c.1607G>T, p.Gly536Val (NM_001406837.1); c.1337G>T, p.Gly446Val (NM_001406838.1); c.389G>T, p.Gly130Val (NM_001406839.1); c.1496G>T, p.Gly499Val (NM_181798.2); short protein forms G130V, G446V, G536V, G499V, G594V, G626V.
Identifiers: ClinVar variation 2973634 (VCV002973634.4), dbSNP rs1848364102, ClinGen allele CA379140346.
Genomic context (GRCh38, chr11:2,847,849, plus strand): 5'-TGGCACTCATCACCGACATGCTTCACCAGCTGCTCTCCTTGCACGGTGGCAGCACCCCCG[G>T]CAGCGGCGGCCCCCCCAGAGAGGGCGGGGCCCACATCACCCAGCCCTGCGGCAGTGGCGG-3'
Protein context (NP_000209.2, residues 616-636): LLSLHGGSTP[Gly626Val]SGGPPREGGA